The following is an entry in ClinVar:

ClinVar aggregate classification (germline): Conflicting classifications of pathogenicity. Review status: criteria provided, conflicting classifications (1 of 4 stars). 10 submissions from 10 submitters: Uncertain significance (1); Benign (1); Likely benign (7). 1 of the submissions does not count toward it. Last evaluated 2026-02-03.

Conditions:
Hereditary cancer-predisposing syndrome. Also called: Tumor predisposition; Neoplastic Syndromes, Hereditary; Hereditary neoplastic syndrome; Hereditary Cancer Syndrome. Identifiers: Orphanet 140162, MedGen C0027672, MeSH D009386, MONDO:0015356.
Hereditary diffuse gastric adenocarcinoma (HDGC). Also called: DIFFUSE GASTRIC AND LOBULAR BREAST CANCER SYNDROME. Identifiers: Orphanet 26106, MedGen C1708349, MONDO:0007648, OMIM 137215.
Malignant tumor of breast. Also called: Malignant breast neoplasm; Cancer breast. Identifiers: MedGen C0006142, MONDO:0007254. Disease mechanism: loss of function.

Allele frequency attached by ClinVar (database versions not stated): TOPMed 0.00002; gnomAD 0.00004; ESP Exome Variant Server 0.00008.
gnomAD v4.1: 21 of 1,614,012 alleles (0.0013%); highest among the groups gnomAD compares: African/African-American, 0.004%; no homozygotes.

Submissions (10):

Labcorp Genetics (formerly Invitae), Labcorp
Classification: Likely benign for Hereditary diffuse gastric adenocarcinoma. Last evaluated: 2026-02-03. Review status: criteria provided, single submitter. Criteria: Invitae Variant Classification Sherloc (09022015). Collection method: clinical testing. Allele origin: germline.

Myriad Genetics, Inc.
Classification: Benign for Hereditary diffuse gastric adenocarcinoma. Last evaluated: 2024-09-12. Review status: criteria provided, single submitter. Criteria: Myriad Autosomal Dominant, Autosomal Recessive and X-Linked Classification Criteria (2023). Collection method: clinical testing. Allele origin: unknown.
Comment: This variant is considered benign. This variant is a silent/synonymous amino acid change and it is not expected to impact splicing.

European Reference Network on Genetic Tumour Risk Syndromes (ERN-GENTURIS), i3s - Instituto de Investigação e Inovação em Saúde, University of Porto
Classification: Uncertain significance for Hereditary diffuse gastric adenocarcinoma. Last evaluated: 2022-08-01. Review status: criteria provided, single submitter. Criteria: Lee et al. (Hum Mutat. 2018). Collection method: clinical testing. Allele origin: germline. Inheritance: Autosomal dominant inheritance. Affected: no. Study: ERN GENTURIS.
Comment: Not applicable criteria (PMID: 30311375)

Women's Health and Genetics/Laboratory Corporation of America, LabCorp
Classification: Likely benign. Last evaluated: 2022-07-23. Review status: criteria provided, single submitter. Criteria: LabCorp Variant Classification Summary - May 2015. Collection method: clinical testing. Allele origin: germline.

Quest Diagnostics Nichols Institute San Juan Capistrano
Classification: Likely benign. Last evaluated: 2020-07-27. Review status: criteria provided, single submitter. Criteria: Quest Diagnostics criteria. Collection method: clinical testing. Allele origin: unknown.

Blueprint Genetics
Classification: Likely benign. Last evaluated: 2020-04-06. Review status: criteria provided, single submitter. Criteria: ACMG Guidelines, 2015. Collection method: clinical testing. Allele origin: germline.

Color Diagnostics, LLC DBA Color Health
Classification: Likely benign for Hereditary cancer-predisposing syndrome. Last evaluated: 2018-05-01. Review status: criteria provided, single submitter. Criteria: ACMG Guidelines, 2015. Collection method: clinical testing. Allele origin: germline.

GeneDx
Classification: Likely benign. Last evaluated: 2016-11-28. Review status: criteria provided, single submitter. Criteria: GeneDx Variant Classification (06012015). Collection method: clinical testing. Allele origin: germline. Affected: yes.
Comment: This variant is considered likely benign or benign based on one or more of the following criteria: it is a conservative change, it occurs at a poorly conserved position in the protein, it is predicted to be benign by multiple in silico algorithms, and/or has population frequency not consistent with disease.

Ambry Genetics
Classification: Likely benign for Hereditary cancer-predisposing syndrome. Last evaluated: 2015-03-29. Review status: criteria provided, single submitter. Criteria: Ambry Variant Classification Scheme 2023. Collection method: clinical testing. Allele origin: germline.

Department of Pathology and Laboratory Medicine, Sinai Health System
Classification: Likely benign for Malignant tumor of breast. Review status: no assertion criteria provided. Collection method: clinical testing. Allele origin: unknown. Affected: yes. Study: The Canadian Open Genetics Repository (COGR). Not counted in ClinVar's aggregate classification.
Comment: The CDH1 p.Leu71= variant was not identified in the literature nor was it identified in the Cosmic or Zhejiang University databases. The variant was identified in dbSNP (ID: rs376667778) as "With Likely benign allele" and ClinVar (classified as likely benign by Ambry Genetics, Invitae, and GeneDx). The variant was identified in control databases in 11 of 277092 chromosomes at a frequency of 0.00004 (Genome Aggregation Database Feb 27, 2017). The variant was observed in the following populations: African in 2 of 24018 chromosomes (freq: 0.00008), Other in 3 of 6466 chromosomes (freq: 0.0005), European in 5 of 126616 chromosomes (freq: 0.00004), Finnish in 1 of 25770 chromosomes (freq: 0.00004); it was not observed in the Latino, Ashkenazi Jewish, East Asian, and South Asian populations. The p.Leu71= variant is not expected to have clinical significance because it does not result in a change of amino acid and is not located in a known consensus splice site. In addition, in silico or computational prediction software programs (SpliceSiteFinder, MaxEntScan, NNSPLICE, GeneSplicer) do not predict a difference in splicing. In summary, based on the above information, the clinical significance of this variant cannot be determined with certainty at this time although we would lean towards a more benign role for this variant. This variant is classified as likely benign.

Literature cited by the submitters: PubMed 36436516 (cited by European Reference Network on Genetic Tumour Risk Syndromes (ERN-GENTURIS), i3s - Instituto de Investigação e Inovação em Saúde, University of Porto).

NM_004360.5(CDH1):c.213C>T (p.Leu71=)

Gene: CDH1 (cadherin 1; plus strand). Cytogenetic location: 16q22.1.
Variant type: single nucleotide variant.
Coding change: c.213C>T on transcript NM_004360.5 (MANE Select); coding-DNA position 213, C replaced by T.
Protein change: p.Leu71=; no amino-acid change (leucine 71 retained).
Molecular consequence: synonymous variant. On other transcripts: 5 prime UTR variant (2).
Genome position (GRCh38, 1-based): chr16:68,801,719, C>T. VCF-style: chr16-68801719-C-T. GRCh37 (hg19) VCF-style: chr16-68835622-C-T.
Other names: c.213C>T (LRG_301t1); c.213C>T, p.Leu71= (NM_001317184.2); c.-1403C>T (NM_001317185.2); c.-1607C>T (NM_001317186.2).
Identifiers: ClinVar variation 184558 (VCV000184558.25), dbSNP rs376667778, ClinGen allele CA189293.
Genomic context (GRCh38, chr16:68,801,719, plus strand): 5'-CTGCCCTGCAGTGAATTTTGAAGATTGCACCGGTCGACAAAGGACAGCCTATTTTTCCCT[C>T]GACACCCGATTCAAAGTGGGCACAGATGGTGTGATTACAGTCAAAAGGCCTCTACGGTTT-3'
Protein context (NP_004351.1, residues 61-81): TGRQRTAYFS[Leu71=]DTRFKVGTDG